The following is an entry in ClinVar:

NM_014285.7(EXOSC2):c.554A>C (p.His185Pro)

Gene: EXOSC2 (exosome component 2; plus strand). Cytogenetic location: 9q34.12.
Variant type: single nucleotide variant.
Coding change: c.554A>C on transcript NM_014285.7 (MANE Select); coding-DNA position 554, A replaced by C.
Protein change: p.His185Pro; replaces histidine 185 with proline.
Molecular consequence: missense variant. On other transcripts: non-coding transcript variant (1).
Genome position (GRCh38, 1-based): chr9:130,702,192, A>C. VCF-style: chr9-130702192-A-C. GRCh37 (hg19) VCF-style: chr9-133577579-A-C.
Other names: c.476A>C, p.His159Pro (NM_001282708.1); c.464A>C, p.His155Pro (NM_001282709.1); short protein forms H185P, H155P, H159P.
Identifiers: ClinVar variation 2117715 (VCV002117715.4), dbSNP rs2490800404, ClinGen allele CA375247909.

ClinVar aggregate classification (germline): Uncertain significance (1 of 4 stars; one submission).

Submission:

Labcorp Genetics (formerly Invitae), Labcorp
Classification: Uncertain significance. Last evaluated: 2022-03-26. Review status: criteria provided, single submitter. Criteria: Invitae Variant Classification Sherloc (09022015). Collection method: clinical testing. Allele origin: germline.
Comment: In summary, the available evidence is currently insufficient to determine the role of this variant in disease. Therefore, it has been classified as a Variant of Uncertain Significance. Algorithms developed to predict the effect of missense changes on protein structure and function (SIFT, PolyPhen-2, Align-GVGD) all suggest that this variant is likely to be disruptive. This variant has not been reported in the literature in individuals affected with EXOSC2-related conditions. This variant is not present in population databases (gnomAD no frequency). This sequence change replaces histidine, which is basic and polar, with proline, which is neutral and non-polar, at codon 185 of the EXOSC2 protein (p.His185Pro).